The following is an entry in ClinVar:

ClinVar aggregate classification (germline): Uncertain significance (1 of 4 stars; one submission).

Allele frequency attached by ClinVar (database versions not stated): gnomAD exomes below 0.00001; gnomAD 0.00001; TOPMed 0.00001.
gnomAD v4.1: 2 of 1,526,014 alleles (0.00013%); highest among the groups gnomAD compares: Non-Finnish European, 0.00018%; no homozygotes.

Submission:

GeneDx
Classification: Uncertain significance. Last evaluated: 2017-07-31. Review status: criteria provided, single submitter. Criteria: GeneDx Variant Classification (06012015). Collection method: clinical testing. Allele origin: germline. Affected: yes.
Comment: The V3562A variant in the DYNC2H1 gene has not been reported previously as a pathogenic variant, nor as a benign variant, to our knowledge. The V3562A variant is not observed in large population cohorts (Lek et al., 2016; 1000 Genomes Consortium et al., 2015; Exome Variant Server). The V3562A variant is a conservative amino acid substitution, which is not likely to impact secondary protein structure as these residues share similar properties. This substitution occurs at a position that is conserved across species. In silico analysis predicts this variant is probably damaging to the protein structure/function. We interpret V3562A as a variant of uncertain significance.

NM_001377.3(DYNC2H1):c.10664T>C (p.Val3555Ala)

Gene: DYNC2H1 (dynein cytoplasmic 2 heavy chain 1; plus strand). Cytogenetic location: 11q22.3.
Variant type: single nucleotide variant.
Coding change: c.10664T>C on transcript NM_001377.3 (MANE Select); coding-DNA position 10664, T replaced by C.
Protein change: p.Val3555Ala; replaces valine 3555 with alanine.
Molecular consequence: missense variant.
Genome position (GRCh38, 1-based): chr11:103,259,946, T>C. VCF-style: chr11-103259946-T-C. GRCh37 (hg19) VCF-style: chr11-103130675-T-C.
Other names: c.10685T>C, p.Val3562Ala (NM_001080463.2); short protein forms V3562A, V3555A.
Identifiers: ClinVar variation 450807 (VCV000450807.2), dbSNP rs1555082969, ClinGen allele CA382252691.